The following is an entry in ClinVar:

ClinVar aggregate classification (germline): Benign. Review status: criteria provided, multiple submitters, no conflicts (2 of 4 stars). 3 submissions from 3 submitters: Benign (3). Last evaluated 2026-01-29.

Allele frequency attached by ClinVar (database versions not stated): 1000 Genomes Project 30x 0.00172; 1000 Genomes Project 0.00180; TOPMed 0.00597; gnomAD 0.00609 and 0.00645; ESP Exome Variant Server 0.00669.
gnomAD v4.1: 14,863 of 1,614,076 alleles (0.92%); highest among the groups gnomAD compares: Non-Finnish European, 1.1%; 88 homozygotes.

Submissions (3):

Labcorp Genetics (formerly Invitae), Labcorp
Classification: Benign. Last evaluated: 2026-01-29. Review status: criteria provided, single submitter. Criteria: Invitae Variant Classification Sherloc (09022015). Collection method: clinical testing. Allele origin: germline.

CeGaT Center for Human Genetics Tuebingen
Classification: Benign. Last evaluated: 2026-01-01. Review status: criteria provided, single submitter. Criteria: CeGaT Center For Human Genetics Tuebingen Variant Classification Criteria Version 2. Collection method: clinical testing. Allele origin: germline. Affected: yes. Observed: 3 variant alleles.
Comment: DHX38: BS1, BS2

Breakthrough Genomics
Classification: Benign. Review status: criteria provided, single submitter. Criteria: ACMG Guidelines, 2015. Collection method: not provided. Allele origin: germline. Inheritance: Autosomal recessive inheritance. Affected: yes.

NM_014003.4(DHX38):c.2906C>T (p.Ser969Phe)

Genes: DHX38 (DEAH-box helicase 38; plus strand), LOC126862391 (CDK7 strongly-dependent group 2 enhancer GRCh37_chr16:72141414-72142613; plus strand). Cytogenetic location: 16q22.2.
Variant type: single nucleotide variant.
Coding change: c.2906C>T on transcript NM_014003.4 (MANE Select); coding-DNA position 2906, C replaced by T.
Protein change: p.Ser969Phe; replaces serine 969 with phenylalanine.
Molecular consequence: missense variant.
Genome position (GRCh38, 1-based): chr16:72,107,741, C>T. VCF-style: chr16-72107741-C-T. GRCh37 (hg19) VCF-style: chr16-72141640-C-T.
Other names: short protein forms S969F.
Identifiers: ClinVar variation 791648 (VCV000791648.30), dbSNP rs11554765, ClinGen allele CA8160804.